The following is an entry in ClinVar:

NM_022114.4(PRDM16):c.3103G>A (p.Ala1035Thr)

Gene: PRDM16 (PR/SET domain 16; plus strand). Cytogenetic location: 1p36.32.
Variant type: single nucleotide variant.
Coding change: c.3103G>A on transcript NM_022114.4 (MANE Select); coding-DNA position 3103, G replaced by A.
Protein change: p.Ala1035Thr; replaces alanine 1035 with threonine.
Molecular consequence: missense variant.
Genome position (GRCh38, 1-based): chr1:3,425,744, G>A. VCF-style: chr1-3425744-G-A. GRCh37 (hg19) VCF-style: chr1-3342308-G-A.
Other names: c.3103G>A, p.Ala1035Thr (NM_199454.3); c.3103G>A (NM_022114.3); short protein forms A1035T.
Identifiers: ClinVar variation 1426003 (VCV001426003.10), dbSNP rs765394108, ClinGen allele CA544706.

ClinVar aggregate classification (germline): Conflicting classifications of pathogenicity. Review status: criteria provided, conflicting classifications (1 of 4 stars). 4 submissions from 4 submitters: Uncertain significance (3); Likely benign (1). Last evaluated 2025-12-27.

Conditions:
Inborn genetic diseases. Identifiers: MedGen C0950123, MeSH D030342.
Left ventricular noncompaction 8 (LVNC8). Identifiers: Orphanet 154, Orphanet 54260, MedGen C3809288, MONDO:0014152, OMIM 615373.

Allele frequency attached by ClinVar (database versions not stated): ExAC 0.00003; gnomAD exomes 0.00005.
gnomAD v4.1: 58 of 1,613,378 alleles (0.0036%); highest among the groups gnomAD compares: African/African-American, 0.0053%; no homozygotes.

Submissions (4):

Labcorp Genetics (formerly Invitae), Labcorp
Classification: Uncertain significance for Left ventricular noncompaction 8. Last evaluated: 2025-12-27. Review status: criteria provided, single submitter. Criteria: Invitae Variant Classification Sherloc (09022015). Collection method: clinical testing. Allele origin: germline.
Comment: This sequence change replaces alanine, which is neutral and non-polar, with threonine, which is neutral and polar, at codon 1035 of the PRDM16 protein (p.Ala1035Thr). This variant is present in population databases (rs765394108, gnomAD 0.04%), and has an allele count higher than expected for a pathogenic variant. This variant has not been reported in the literature in individuals affected with PRDM16-related conditions. ClinVar contains an entry for this variant (Variation ID: 1426003). An algorithm developed to predict the effect of missense changes on protein structure and function (PolyPhen-2) suggests that this variant is likely to be tolerated. In summary, the available evidence is currently insufficient to determine the role of this variant in disease. Therefore, it has been classified as a Variant of Uncertain Significance.

Ambry Genetics
Classification: Uncertain significance for Inborn genetic diseases. Last evaluated: 2025-10-01. Review status: criteria provided, single submitter. Criteria: Ambry Variant Classification Scheme 2023. Collection method: clinical testing. Allele origin: germline.

Blueprint Genetics
Classification: Likely benign. Last evaluated: 2023-12-21. Review status: criteria provided, single submitter. Criteria: ACMG Guidelines, 2015. Collection method: clinical testing. Allele origin: germline.

GeneDx
Classification: Uncertain significance. Last evaluated: 2022-08-08. Review status: criteria provided, single submitter. Criteria: GeneDx Variant Classification Process June 2021. Collection method: clinical testing. Allele origin: germline. Affected: yes.
Comment: In silico analysis supports that this missense variant does not alter protein structure/function; Has not been previously published as pathogenic or benign to our knowledge